The following is an entry in ClinVar:

ClinVar aggregate classification (germline): Uncertain significance. Review status: criteria provided, multiple submitters, no conflicts (2 of 4 stars). 3 submissions from 3 submitters: Uncertain significance (3). Last evaluated 2024-07-26.

Conditions:
Primary ciliary dyskinesia. Also called: Ciliary dyskinesia. Identifiers: Orphanet 244, MedGen C0008780, MONDO:0016575, HP:0012265.

Submissions (3):

Ambry Genetics
Classification: Uncertain significance for Primary ciliary dyskinesia. Last evaluated: 2024-07-26. Review status: criteria provided, single submitter. Criteria: Ambry Variant Classification Scheme 2023. Collection method: clinical testing. Allele origin: germline.
Comment: The c.111_125del15 variant (also known as p.E38_P42del) is located in coding exon 1 of the RSPH4A gene. This variant results from an in-frame TGAGTCGTCTGAGCC deletion at nucleotide positions 111 to 125. This results in the in-frame deletion of a at codon 38. These amino acid positions are not well conserved in available vertebrate species. In addition, this alteration is predicted to be deleterious by in silico analysis (Choi Y et al. PLoS ONE. 2012; 7(10):e46688). Since supporting evidence is limited at this time, the clinical significance of this alteration remains unclear.

Labcorp Genetics (formerly Invitae), Labcorp
Classification: Uncertain significance for Primary ciliary dyskinesia. Last evaluated: 2021-08-30. Review status: criteria provided, single submitter. Criteria: Invitae Variant Classification Sherloc (09022015). Collection method: clinical testing. Allele origin: germline.
Comment: This variant, c.111_125del, results in the deletion of 5 amino acid(s) of the RSPH4A protein (p.Glu38_Pro42del), but otherwise preserves the integrity of the reading frame. The frequency data for this variant in the population databases is considered unreliable, as metrics indicate poor data quality at this position in the ExAC database. This variant has not been reported in the literature in individuals affected with RSPH4A-related conditions. ClinVar contains an entry for this variant (Variation ID: 285786). Experimental studies and prediction algorithms are not available or were not evaluated, and the functional significance of this variant is currently unknown. In summary, the available evidence is currently insufficient to determine the role of this variant in disease. Therefore, it has been classified as a Variant of Uncertain Significance.

Eurofins Ntd Llc (ga)
Classification: Uncertain significance. Last evaluated: 2016-02-04. Review status: criteria provided, single submitter. Criteria: EGL Classification Definitions 2015. Collection method: clinical testing. Allele origin: germline. Observed: 1 variant allele, 1 heterozygote.

NM_001010892.3(RSPH4A):c.111_125del (p.Glu38_Pro42del)

Genes: RSPH4A (radial spoke head component 4A; plus strand), LOC129997052 (ATAC-STARR-seq lymphoblastoid active region 24998; plus strand). Cytogenetic location: 6q22.1.
Variant type: Deletion.
Coding change: c.111_125del on transcript NM_001010892.3 (MANE Select); coding-DNA positions 111 to 125, 15 bases deleted (TGAGTCGTCTGAGCC).
Protein change: p.Glu38_Pro42del.
Molecular consequence: inframe deletion.
Genome position (GRCh38, 1-based): chr6:116,616,734-116,616,748, TGAGTCGTCTGAGCC deleted; deleting any 15 consecutive bases within chr6:116,616,726-116,616,748 gives the same sequence; the c. name uses the placement nearest the transcript's 3' end. VCF-style (leftmost placement, unchanged base first): chr6-116616725-TTCTGAGCCTGAGTCG-T. GRCh37 (hg19) VCF-style: chr6-116937888-TTCTGAGCCTGAGTCG-T.
Other names: c.111_125del15 (NM_001010892.2); c.111_125del, p.Glu38_Pro42del (NM_001161664.2).
Identifiers: ClinVar variation 285786 (VCV000285786.11), dbSNP rs776700072, ClinGen allele CA3970701.
Genomic context (GRCh38, chr6:116,616,725, plus strand): 5'-AGAAGAACTAGGGGAAACAAGGCGGCCATGGGAAGGAAAGACAGCAGCTTCTCCCCAATA[TTCTGAGCCTGAGTCG>T]TCTGAGCCCTTGGAGGCGAAGCAGGGGCCAGAAACTGGACGCCAGTCCCGAAGCAGCCGT-3'